The following is an entry in ClinVar:

NM_001142800.2(EYS):c.1274G>A (p.Cys425Tyr)

Gene: EYS (EGF-like photoreceptor maintenance factor; minus strand). Cytogenetic location: 6q12.
Variant type: single nucleotide variant.
Coding change: c.1274G>A on transcript NM_001142800.2 (MANE Select); coding-DNA position 1274, G replaced by A.
Protein change: p.Cys425Tyr; replaces cysteine 425 with tyrosine.
Molecular consequence: missense variant.
Genome position (GRCh38, 1-based): chr6:65,384,411, C>T on the plus strand (G>A on the coding strand, the complement: EYS is on the minus strand). VCF-style: chr6-65384411-C-T. GRCh37 (hg19) VCF-style: chr6-66094304-C-T.
Other names: c.1274G>A, p.Cys425Tyr (NM_001142801.2, NM_001292009.2, NM_198283.2); short protein forms C425Y.
Identifiers: ClinVar variation 422820 (VCV000422820.11), dbSNP rs1064796021, ClinGen allele CA16618300.

ClinVar aggregate classification (germline): Conflicting classifications of pathogenicity. Review status: criteria provided, conflicting classifications (1 of 4 stars). 4 submissions from 4 submitters: Likely pathogenic (1); Uncertain significance (2). 1 of the submissions does not count toward it. Last evaluated 2025-12-03.

Conditions:
Retinitis pigmentosa 25 (RP25). Identifiers: Orphanet 791, MedGen C1864446, MONDO:0011272, OMIM 602772.

Allele frequency attached by ClinVar (database versions not stated): gnomAD exomes below 0.00001; TOPMed below 0.00001.
gnomAD v4.1: 3 of 1,605,576 alleles (0.00019%); highest among the groups gnomAD compares: Non-Finnish European, 0.00026%; no homozygotes.

Submissions (4):

GeneDx
Classification: Likely pathogenic. Last evaluated: 2025-12-03. Review status: criteria provided, single submitter. Criteria: GeneDx Variant Classification Process June 2021. Collection method: clinical testing. Allele origin: germline. Affected: yes.
Comment: Not observed at significant frequency in large population cohorts (gnomAD); In silico analysis supports that this missense variant has a deleterious effect on protein structure/function; This variant is associated with the following publications: (PMID: 34906470)

Blueprint Genetics
Classification: Uncertain significance. Last evaluated: 2022-11-11. Review status: criteria provided, single submitter. Criteria: ACMG Guidelines, 2015. Collection method: clinical testing. Allele origin: germline.

Ocular Genomics Institute, Massachusetts Eye and Ear
Classification: Uncertain significance for Retinitis pigmentosa 25. Last evaluated: 2021-04-08. Review status: criteria provided, single submitter. Criteria: ACMG Guidelines, 2015. Collection method: research. Allele origin: germline. Affected: yes.
Comment: Through a review of available evidence we were able to apply the following criteria: PM2, PP3. Based on this evidence we have classified this variant as Variant of Uncertain Significance.

Natera, Inc.
Classification: Uncertain significance for Retinitis pigmentosa type 25. Last evaluated: 2020-02-06. Review status: no assertion criteria provided. Collection method: clinical testing. Allele origin: germline. Not counted in ClinVar's aggregate classification.